The following is an entry in ClinVar:

NM_016169.4(SUFU):c.35C>A (p.Pro12His)

Genes: SUFU (SUFU negative regulator of hedgehog signaling; plus strand), LOC130004614 (ATAC-STARR-seq lymphoblastoid silent region 2764; plus strand). Cytogenetic location: 10q24.32.
Variant type: single nucleotide variant.
Coding change: c.35C>A on transcript NM_016169.4 (MANE Select); coding-DNA position 35, C replaced by A.
Protein change: p.Pro12His; replaces proline 12 with histidine.
Molecular consequence: missense variant.
Genome position (GRCh38, 1-based): chr10:102,504,187, C>A. VCF-style: chr10-102504187-C-A. GRCh37 (hg19) VCF-style: chr10-104263944-C-A.
Other names: c.35C>A, p.Pro12His (NM_001178133.2); short protein forms P12H.
Identifiers: ClinVar variation 1733067 (VCV001733067.2), dbSNP rs2544830107, ClinGen allele CA377886189.
Genomic context (GRCh38, chr10:102,504,187, plus strand): 5'-CCCCAGTGCCTGCCCTACGCACCCCGATGGCGGAGCTGCGGCCTAGCGGCGCCCCCGGCC[C>A]CACCGCGCCCCCGGCCCCTGGCCCGACTGCCCCCCCGGCCTTCGCTTCGCTCTTTCCCCC-3'
Protein context (NP_057253.2, residues 2-22): AELRPSGAPG[Pro12His]TAPPAPGPTA

ClinVar aggregate classification (germline): Uncertain significance (1 of 4 stars; one submission).

Conditions:
Hereditary cancer-predisposing syndrome. Also called: Neoplastic Syndromes, Hereditary; Tumor predisposition; Hereditary Cancer Syndrome; Hereditary neoplastic syndrome. Identifiers: Orphanet 140162, MedGen C0027672, MeSH D009386, MONDO:0015356.

Submission:

Ambry Genetics
Classification: Uncertain significance for Hereditary cancer-predisposing syndrome. Last evaluated: 2020-07-23. Review status: criteria provided, single submitter. Criteria: Ambry Variant Classification Scheme 2023. Collection method: clinical testing. Allele origin: germline.
Comment: The p.P12H variant (also known as c.35C>A), located in coding exon 1 of the SUFU gene, results from a C to A substitution at nucleotide position 35. The proline at codon 12 is replaced by histidine, an amino acid with similar properties. This amino acid position is well conserved in available vertebrate species. In addition, this alteration is predicted to be tolerated by in silico analysis. Since supporting evidence is limited at this time, the clinical significance of this alteration remains unclear.